The following is an entry in ClinVar:

ClinVar aggregate classification (germline): Uncertain significance. Review status: criteria provided, multiple submitters, no conflicts (2 of 4 stars). 2 submissions from 2 submitters: Uncertain significance (2). Last evaluated 2024-09-05.

Conditions:
Hereditary cancer-predisposing syndrome. Also called: Neoplastic Syndromes, Hereditary; Hereditary Cancer Syndrome; Tumor predisposition; Hereditary neoplastic syndrome. Identifiers: Orphanet 140162, MedGen C0027672, MeSH D009386, MONDO:0015356.
BAP1-related tumor predisposition syndrome (TPDS1). Also called: BAP1 tumor predisposition syndrome; COMMON Syndrome; TUMOR PREDISPOSITION SYNDROME 1; Tumor susceptibility linked to germline BAP1 mutations. Identifiers: Orphanet 289539, MedGen C3280492, MONDO:0013692, OMIM 614327.

gnomAD v4.1: 4 of 1,614,052 alleles (0.00025%); highest among the groups gnomAD compares: Non-Finnish European, 0.00034%; no homozygotes.

Submissions (2):

Ambry Genetics
Classification: Uncertain significance for Hereditary cancer-predisposing syndrome. Last evaluated: 2024-09-05. Review status: criteria provided, single submitter. Criteria: Ambry Variant Classification Scheme 2023. Collection method: clinical testing. Allele origin: germline.
Comment: The p.H481Y variant (also known as c.1441C>T), located in coding exon 13 of the BAP1 gene, results from a C to T substitution at nucleotide position 1441. The histidine at codon 481 is replaced by tyrosine, an amino acid with similar properties. This amino acid position is highly conserved in available vertebrate species. In addition, this alteration is predicted to be tolerated by in silico analysis. Based on the available evidence, the clinical significance of this variant remains unclear.

Labcorp Genetics (formerly Invitae), Labcorp
Classification: Uncertain significance for BAP1-related tumor predisposition syndrome. Last evaluated: 2022-09-05. Review status: criteria provided, single submitter. Criteria: Invitae Variant Classification Sherloc (09022015). Collection method: clinical testing. Allele origin: germline.
Comment: In summary, the available evidence is currently insufficient to determine the role of this variant in disease. Therefore, it has been classified as a Variant of Uncertain Significance. Algorithms developed to predict the effect of missense changes on protein structure and function (SIFT, PolyPhen-2, Align-GVGD) all suggest that this variant is likely to be tolerated. ClinVar contains an entry for this variant (Variation ID: 944970). This variant has not been reported in the literature in individuals affected with BAP1-related conditions. This variant is not present in population databases (gnomAD no frequency). This sequence change replaces histidine, which is basic and polar, with tyrosine, which is neutral and polar, at codon 481 of the BAP1 protein (p.His481Tyr).

NM_004656.4(BAP1):c.1441C>T (p.His481Tyr)

Gene: BAP1 (BRCA1 associated deubiquitinase 1; minus strand). Cytogenetic location: 3p21.1.
Variant type: single nucleotide variant.
Coding change: c.1441C>T on transcript NM_004656.4 (MANE Select); coding-DNA position 1441, C replaced by T.
Protein change: p.His481Tyr; replaces histidine 481 with tyrosine.
Molecular consequence: missense variant.
Genome position (GRCh38, 1-based): chr3:52,403,704, G>A on the plus strand (C>T on the coding strand, the complement: BAP1 is on the minus strand). VCF-style: chr3-52403704-G-A. GRCh37 (hg19) VCF-style: chr3-52437720-G-A.
Other names: c.1441C>T (NM_004656.2); short protein forms H481Y.
Identifiers: ClinVar variation 944970 (VCV000944970.8), dbSNP rs764816701, ClinGen allele CA353101313.